The following is an entry in ClinVar:

NM_005245.4(FAT1):c.4867A>G (p.Lys1623Glu)

Genes: FAT1 (FAT atypical cadherin 1; minus strand), LOC132090718 (Neanderthal introgressed variant-containing enhancer experimental_76848; plus strand). Cytogenetic location: 4q35.2.
Variant type: single nucleotide variant.
Coding change: c.4867A>G on transcript NM_005245.4 (MANE Select); coding-DNA position 4867, A replaced by G.
Protein change: p.Lys1623Glu; replaces lysine 1623 with glutamic acid.
Molecular consequence: missense variant.
Genome position (GRCh38, 1-based): chr4:186,621,719, T>C on the plus strand (A>G on the coding strand, the complement: FAT1 is on the minus strand). VCF-style: chr4-186621719-T-C. GRCh37 (hg19) VCF-style: chr4-187542873-T-C.
Other names: short protein forms K1623E.
Identifiers: ClinVar variation 2633745 (VCV002633745.1), dbSNP rs2126527967, ClinGen allele CA358975543.
Genomic context (GRCh38, chr4:186,621,719, plus strand): 5'-CCTTATCTGTAGCTTTTACCATTAAATCATACTCCGCTTGGTTACTTCGATCTAATTCTT[T>C]GGCAGTTTTAATAGAGCCCAAGACAGGATCAATCATAAAAGAATTTCCAATATTTCCTGG-3'
Protein context (NP_005236.2, residues 1613-1633): DPVLGSIKTA[Lys1623Glu]ELDRSNQAEY

ClinVar aggregate classification (germline): Uncertain significance (1 of 4 stars; one submission).

Conditions:
FAT1-related disorder. Also called: FAT1-related condition.

Allele frequency attached by ClinVar (database versions not stated): gnomAD exomes below 0.00001.
gnomAD v4.1: 2 of 1,612,676 alleles (0.00012%); highest among the groups gnomAD compares: Non-Finnish European, 0.00017%; no homozygotes.

Submission:

PreventionGenetics, part of Exact Sciences
Classification: Uncertain significance for FAT1-related condition. Last evaluated: 2023-04-05. Review status: criteria provided, single submitter. Criteria: ACMG Guidelines, 2015. Collection method: clinical testing. Allele origin: germline.
Comment: The FAT1 c.4867A>G variant is predicted to result in the amino acid substitution p.Lys1623Glu. To our knowledge, this variant has not been reported in the literature or in a large population database, indicating this variant is rare. At this time, the clinical significance of this variant is uncertain due to the absence of conclusive functional and genetic evidence.